The following is an entry in ClinVar:

NM_001267550.2(TTN):c.15796C>T (p.Arg5266Ter)

Gene: TTN (titin; minus strand). Cytogenetic location: 2q31.2.
Variant type: single nucleotide variant.
Coding change: c.15796C>T on transcript NM_001267550.2 (MANE Select); coding-DNA position 15796, C replaced by T.
Protein change: p.Arg5266Ter; replaces arginine 5266 with a stop codon.
Molecular consequence: nonsense. On other transcripts: intron variant (3).
Genome position (GRCh38, 1-based): chr2:178,733,497, G>A on the plus strand (C>T on the coding strand, the complement: TTN is on the minus strand). VCF-style: chr2-178733497-G-A. GRCh37 (hg19) VCF-style: chr2-179598224-G-A.
Other names: c.14845C>T, p.Arg4949Ter (NM_001256850.1); c.12064C>T, p.Arg4022Ter (NM_133378.4); c.13282+4585C>T (NM_003319.4); c.13858+4585C>T (NM_133437.4); c.13657+4585C>T (NM_133432.3); c.15796C>T (NM_001267550.1); short protein forms R5266*, R4022*, R4949*.
Identifiers: ClinVar variation 130662 (VCV000130662.16), dbSNP rs372277017, ClinGen allele CA269788.

ClinVar aggregate classification (germline): Conflicting classifications of pathogenicity. Review status: criteria provided, conflicting classifications (1 of 4 stars). 4 submissions from 4 submitters: Pathogenic (2); Likely pathogenic (1); Uncertain significance (1). Last evaluated 2025-12-01.

Conditions:
Orofacial cleft 1 (OFC1). Also called: OROFACIAL CLEFT, NONSYNDROMIC; CLEFT LIP WITH OR WITHOUT CLEFT PALATE, NONSYNDROMIC, 1; Nonsyndromic Cleft Lip/Palate. Identifiers: MedGen C1861537, MeSH C566121, MONDO:0007335, OMIM 119530.
Dilated cardiomyopathy 1G (CMD1G). Identifiers: Orphanet 154, MedGen C1858763, MONDO:0011400, OMIM 604145.
Autosomal recessive limb-girdle muscular dystrophy type 2J (LGMDR10). Also called: Limb-girdle muscular dystrophy, type 2J; MUSCULAR DYSTROPHY, LIMB-GIRDLE, AUTOSOMAL RECESSIVE 10. Identifiers: Orphanet 140922, MedGen C1837342, MONDO:0012127, OMIM 608807.
Tibial muscular dystrophy (TMD). Also called: UDD MYOPATHY; Tibial muscular dystrophy, tardive; Udd Distal Myopathy – Tibial Muscular Dystrophy. Identifiers: Orphanet 609, MedGen C1838244, MONDO:0010870, OMIM 600334.

Allele frequency attached by ClinVar (database versions not stated): gnomAD exomes below 0.00001 and 0.00001; gnomAD 0.00001; ESP Exome Variant Server 0.00008; ExAC 0.00001; TOPMed 0.00002.
gnomAD v4.1: 12 of 1,610,296 alleles (0.00075%); highest among the groups gnomAD compares: African/African-American, 0.0013%; no homozygotes.

Submissions (4):

Labcorp Genetics (formerly Invitae), Labcorp
Classification: Likely pathogenic for Dilated cardiomyopathy 1G; Autosomal recessive limb-girdle muscular dystrophy type 2J. Last evaluated: 2025-12-01. Review status: criteria provided, single submitter. Criteria: Invitae Variant Classification Sherloc (09022015). Collection method: clinical testing. Allele origin: germline.
Comment: This sequence change creates a premature translational stop signal (p.Arg5266*) in the TTN gene. While this is not anticipated to result in nonsense mediated decay, it is expected to create a truncated TTN protein. This variant is present in population databases (rs372277017, gnomAD 0.0009%). This premature translational stop signal has been observed in individual(s) with autosomal recessive TTN-related conditions (PMID: 36781956). This variant is also known as p.Arg4022*. ClinVar contains an entry for this variant (Variation ID: 130662). This variant is located in the I band of TTN (PMID: 25589632). Truncating variants in this region have been reported in individuals affected with autosomal recessive centronuclear myopathy (PMID: 23975875, internal data). Truncating variants in this region have also been identified in individuals affected with autosomal dominant dilated cardiomyopathy and/or cardio-related conditions (PMID: 27869827, 32964742, internal data). In summary, the currently available evidence indicates that the variant is pathogenic, but additional data are needed to prove that conclusively. Therefore, this variant has been classified as Likely Pathogenic.

GeneDx
Classification: Uncertain significance. Last evaluated: 2023-03-23. Review status: criteria provided, single submitter. Criteria: GeneDx Variant Classification Process June 2021. Collection method: clinical testing. Allele origin: germline. Affected: yes.
Comment: Not observed at significant frequency in large population cohorts (gnomAD); Nonsense variant predicted to result in protein truncation or nonsense mediated decay in a gene or region of a gene for which loss of function is not a well-established mechanism of disease; Has not been previously published as pathogenic or benign to our knowledge in association with a TTN-related disorder; This variant is associated with the following publications: (PMID: 30535219, 25589632, 27625338, 27869827)

Grupo de Genetica Humana, Facultad de Medicina - Universidad de La Sabana
Classification: Pathogenic for Orofacial cleft 1. Last evaluated: 2022-11-22. Review status: criteria provided, single submitter. Criteria: ACMG Guidelines, 2015. Collection method: research. Allele origin: germline. Affected: yes and no. Observed: 4 variant alleles.
Comment: This variant creates an early termination codon predicted to cause neuromuscular disorder. Orofacial Cleft cases associated with this mutation have been reported. This variant could also be associated with increased apoptosis of cells in the frontonasal process, an important tissue in the development of the lip and palate

Genetic Services Laboratory, University of Chicago
Classification: Pathogenic for Tibial muscular dystrophy, tardive. Last evaluated: 2014-01-30. Review status: criteria provided, single submitter. Criteria: ACMG Guidelines, 2007. Collection method: clinical testing. Allele origin: germline. Affected: yes.

Literature cited by the submitters: PubMed 36781956 (cited by Labcorp Genetics (formerly Invitae), Labcorp); PubMed 25589632 (cited by Labcorp Genetics (formerly Invitae), Labcorp); PubMed 23975875 (cited by Labcorp Genetics (formerly Invitae), Labcorp); PubMed 27869827 (cited by Labcorp Genetics (formerly Invitae), Labcorp); PubMed 32964742 (cited by Labcorp Genetics (formerly Invitae), Labcorp); DOI:10.1038/s41598-022-15885-1 (cited by Grupo de Genetica Humana, Facultad de Medicina - Universidad de La Sabana).